The following is an entry in ClinVar:

ClinVar aggregate classification (germline): Likely benign (0 of 4 stars; one submission).

Conditions:
ADGRG4-related disorder. Also called: ADGRG4-related condition.

Submission:

PreventionGenetics, part of Exact Sciences
Classification: Likely benign for ADGRG4-related condition. Last evaluated: 2022-12-01. Review status: no assertion criteria provided. Collection method: clinical testing. Allele origin: germline.
Comment: This variant is classified as likely benign based on ACMG/AMP sequence variant interpretation guidelines (Richards et al. 2015 PMID: 25741868, with internal and published modifications).

NM_153834.4(ADGRG4):c.686-3dup

Gene: ADGRG4 (adhesion G protein-coupled receptor G4; plus strand). Cytogenetic location: Xq26.3.
Variant type: Duplication.
Coding change: c.686-3dup on transcript NM_153834.4 (MANE Select); 3 bases into the intron before coding-DNA position 686, one base duplicated (T; older notation c.686-3dupT).
Molecular consequence: intron variant.
Genome position (GRCh38, 1-based): chrX:136,344,389, T duplicated; the last of 7 consecutive T bases (chrX:136,344,383-136,344,389); duplicating any one gives the same sequence. VCF-style (leftmost placement, unchanged base first): chrX-136344382-A-AT. GRCh37 (hg19) VCF-style: chrX-135426541-A-AT.
Identifiers: ClinVar variation 3050739 (VCV003050739.2), dbSNP rs1291112487, ClinGen allele CA644589018.